The following is an entry in ClinVar:

ClinVar aggregate classification (germline): Pathogenic/Likely pathogenic. Review status: criteria provided, multiple submitters, no conflicts (2 of 4 stars). 2 submissions from 2 submitters: Pathogenic (1); Likely pathogenic (1). Last evaluated 2024-02-01.

Conditions:
Smith-Lemli-Opitz syndrome (SLOS). Also called: LETHAL ACRODYSGENITAL SYNDROME; POLYDACTYLY, SEX REVERSAL, RENAL HYPOPLASIA, AND UNILOBAR LUNG; RSH SYNDROME; RUTLEDGE LETHAL MULTIPLE CONGENITAL ANOMALY SYNDROME; 7-Dehydrocholesterol reductase deficiency. Identifiers: Orphanet 818, MedGen C0175694, MONDO:0010035, OMIM 270400.

Submissions (2):

Labcorp Genetics (formerly Invitae), Labcorp
Classification: Pathogenic for Smith-Lemli-Opitz syndrome. Last evaluated: 2024-02-01. Review status: criteria provided, single submitter. Criteria: Invitae Variant Classification Sherloc (09022015). Collection method: clinical testing. Allele origin: germline.
Comment: This sequence change creates a premature translational stop signal (p.Gln63*) in the DHCR7 gene. It is expected to result in an absent or disrupted protein product. Loss-of-function variants in DHCR7 are known to be pathogenic (PMID: 9634533, 10677299). This variant is present in population databases (no rsID available, gnomAD 0.002%). This variant has not been reported in the literature in individuals affected with DHCR7-related conditions. For these reasons, this variant has been classified as Pathogenic.

Fulgent Genetics
Classification: Likely pathogenic for Smith-Lemli-Opitz syndrome. Last evaluated: 2024-01-25. Review status: criteria provided, single submitter. Criteria: ACMG Guidelines, 2015. Collection method: clinical testing. Allele origin: germline.

Literature cited by the submitters: PubMed 9634533 (cited by Labcorp Genetics (formerly Invitae), Labcorp); PubMed 10677299 (cited by Labcorp Genetics (formerly Invitae), Labcorp).

NM_001360.3(DHCR7):c.187C>T (p.Gln63Ter)

Gene: DHCR7 (7-dehydrocholesterol reductase; minus strand). Cytogenetic location: 11q13.4.
Variant type: single nucleotide variant.
Coding change: c.187C>T on transcript NM_001360.3 (MANE Select); coding-DNA position 187, C replaced by T.
Protein change: p.Gln63Ter; replaces glutamine 63 with a stop codon.
Molecular consequence: nonsense.
Genome position (GRCh38, 1-based): chr11:71,444,127, G>A on the plus strand (C>T on the coding strand, the complement: DHCR7 is on the minus strand). VCF-style: chr11-71444127-G-A. GRCh37 (hg19) VCF-style: chr11-71155173-G-A.
Other names: c.187C>T, p.Gln63Ter (NM_001163817.2, NM_001425107.1, NM_001425108.1 and 8 more transcripts); c.13C>T, p.Gln5Ter (NM_001425117.1); short protein forms Q5*, Q63*.
Identifiers: ClinVar variation 2713214 (VCV002713214.4), dbSNP rs1372014207, ClinGen allele CA381696573.
Genomic context (GRCh38, chr11:71,444,127, plus strand): 5'-AGAGCCGAGCATGTCCGGTGACGATGTCCACCACAGGGCCAGTCAGGGCGCAGCTGTACT[G>A]GTCACAAGCCATGATGAAGTAGTAGACGATGAAGGGGGCGAACAGCAGTAGGAAGATGAC-3'